The following is an entry in ClinVar:

NM_000548.5(TSC2):c.2763_2764dup (p.Leu922fs)

Gene: TSC2 (TSC complex subunit 2; plus strand). Cytogenetic location: 16p13.3.
Variant type: Microsatellite.
Coding change: c.2763_2764dup on transcript NM_000548.5 (MANE Select); coding-DNA positions 2763 to 2764, 2 bases duplicated (CT; older notation c.2763_2764dupCT).
Protein change: p.Leu922fs; shifts the reading frame from leucine 922.
Molecular consequence: frameshift variant.
Genome position (GRCh38, 1-based): chr16:2,076,511-2,076,512, CT duplicated; duplicating any 2 consecutive bases within chr16:2,076,509-2,076,512 gives the same sequence; the c. name uses the placement nearest the transcript's 3' end. VCF-style (leftmost placement, unchanged base first): chr16-2076508-C-CCT. GRCh37 (hg19) VCF-style: chr16-2126509-C-CCT.
Other names: c.2763_2764dup, p.Leu922fs (NM_001077183.3, NM_001114382.3, NM_001363528.2 and 3 more transcripts); c.2652_2653dup, p.Leu885fs (NM_001318827.2); c.2616_2617dup, p.Leu873fs (NM_001318829.2); c.2163_2164dup, p.Leu722fs (NM_001318831.2); c.2796_2797dup, p.Leu933fs (NM_001318832.2); short protein forms L873fs, L885fs, L922fs, L722fs, L933fs.
Identifiers: ClinVar variation 418927 (VCV000418927.1), dbSNP rs1555508917, ClinGen allele CA16620094.

ClinVar aggregate classification (germline): Pathogenic (1 of 4 stars; one submission).

Submission:

GeneDx
Classification: Pathogenic. Last evaluated: 2015-04-22. Review status: criteria provided, single submitter. Criteria: GeneDx Variant Classification (06012015). Collection method: clinical testing. Allele origin: germline. Affected: yes.
Comment: The c.2763_2764dupCT duplication in the TSC2 gene causes a frameshift starting with codonLeucine 922, changes this amino acid to a Serine residue and creates a premature Stopcodon at position 27 of the new reading frame, denoted p.Leu922SerfsX27. This variant is predicted to cause loss of normal protein function either through protein truncation ornonsense-mediated mRNA decay. Although this variant has not been previously reportedto our knowledge, we consider it to be pathogenic.